The following is an entry in ClinVar:

ClinVar aggregate classification (germline): Uncertain significance (1 of 4 stars; one submission).

Conditions:
Perlman syndrome (PRLMNS). Identifiers: Orphanet 2849, MedGen C0796113, MONDO:0009965, OMIM 267000.

Submission:

Labcorp Genetics (formerly Invitae), Labcorp
Classification: Uncertain significance for Perlman syndrome. Last evaluated: 2022-01-16. Review status: criteria provided, single submitter. Criteria: Invitae Variant Classification Sherloc (09022015). Collection method: clinical testing. Allele origin: germline.
Comment: This sequence change falls in intron 12 of the DIS3L2 gene. It does not directly change the encoded amino acid sequence of the DIS3L2 protein. It affects a nucleotide within the consensus splice site. This variant is not present in population databases (gnomAD no frequency). This variant has not been reported in the literature in individuals affected with DIS3L2-related conditions. Variants that disrupt the consensus splice site are a relatively common cause of aberrant splicing (PMID: 17576681, 9536098). Algorithms developed to predict the effect of sequence changes on RNA splicing suggest that this variant is not likely to affect RNA splicing. In summary, the available evidence is currently insufficient to determine the role of this variant in disease. Therefore, it has been classified as a Variant of Uncertain Significance.

Literature cited by the submitters: PubMed 17576681; PubMed 9536098.

NM_152383.5(DIS3L2):c.1425+5C>A

Gene: DIS3L2 (DIS3 like 3'-5' exoribonuclease 2; plus strand). Cytogenetic location: 2q37.1.
Variant type: single nucleotide variant.
Coding change: c.1425+5C>A on transcript NM_152383.5 (MANE Select); 5 bases into the intron after coding-DNA position 1425, C replaced by A.
Molecular consequence: intron variant.
Genome position (GRCh38, 1-based): chr2:232,249,351, C>A. VCF-style: chr2-232249351-C-A. GRCh37 (hg19) VCF-style: chr2-233114061-C-A.
Other names: c.1425+5C>A (NM_001257281.2).
Identifiers: ClinVar variation 2086431 (VCV002086431.4), dbSNP rs754201134, ClinGen allele CA2580066032.